The following is an entry in ClinVar:

NM_007194.4(CHEK2):c.445-8T>C

Gene: CHEK2 (checkpoint kinase 2; minus strand). Cytogenetic location: 22q12.1.
Variant type: single nucleotide variant.
Coding change: c.445-8T>C on transcript NM_007194.4 (MANE Select); 8 bases into the intron before coding-DNA position 445, T replaced by C.
Molecular consequence: intron variant.
Genome position (GRCh38, 1-based): chr22:28,725,132, A>G on the plus strand (T>C on the coding strand, the complement: CHEK2 is on the minus strand). VCF-style: chr22-28725132-A-G. GRCh37 (hg19) VCF-style: chr22-29121120-A-G.
Other names: c.-219-8T>C (NM_001437942.1); c.444+111T>C (NM_001349956.3); c.445-8T>C (NM_145862.3); c.-333-8T>C (NM_001257387.3); c.538-8T>C (NM_001438295.1, NM_001438293.1); c.574-8T>C (NM_001438294.1, NM_001005735.3).
Identifiers: ClinVar variation 1638756 (VCV001638756.10), dbSNP rs2146062474, ClinGen allele CA2573158019.

ClinVar aggregate classification (germline): Likely benign. Review status: criteria provided, multiple submitters, no conflicts (2 of 4 stars). 2 submissions from 2 submitters: Likely benign (2). Last evaluated 2024-10-02.

Conditions:
Familial cancer of breast. Also called: Hereditary breast cancer; hereditary breast carcinoma; BREAST CANCER, FAMILIAL. Identifiers: Orphanet 227535, MedGen C0346153, MONDO:0016419, OMIM 114480. Disease mechanism: loss of function.

Submissions (2):

Myriad Genetics, Inc.
Classification: Likely benign for Familial cancer of breast. Last evaluated: 2024-10-02. Review status: criteria provided, single submitter. Criteria: Myriad Autosomal Dominant, Autosomal Recessive and X-Linked Classification Criteria (2023). Collection method: clinical testing. Allele origin: unknown.
Comment: This variant is considered likely benign. This variant is intronic and is not expected to impact mRNA splicing.

Labcorp Genetics (formerly Invitae), Labcorp
Classification: Likely benign for Familial cancer of breast. Last evaluated: 2022-02-10. Review status: criteria provided, single submitter. Criteria: Invitae Variant Classification Sherloc (09022015). Collection method: clinical testing. Allele origin: germline.